The following is an entry in ClinVar:

NM_203447.4(DOCK8):c.5710C>T (p.Arg1904Trp)

Gene: DOCK8 (dedicator of cytokinesis 8; plus strand). Cytogenetic location: 9p24.3.
Variant type: single nucleotide variant.
Coding change: c.5710C>T on transcript NM_203447.4 (MANE Select); coding-DNA position 5710, C replaced by T.
Protein change: p.Arg1904Trp; replaces arginine 1904 with tryptophan.
Molecular consequence: missense variant.
Genome position (GRCh38, 1-based): chr9:446,499, C>T. VCF-style: chr9-446499-C-T. GRCh37 (hg19) VCF-style: chr9-446499-C-T.
Other names: c.5410C>T, p.Arg1804Trp (NM_001190458.2); c.5506C>T, p.Arg1836Trp (NM_001193536.2); c.5710C>T (NM_203447.3); short protein forms R1836W, R1804W, R1904W.
Identifiers: ClinVar variation 1434317 (VCV001434317.5), dbSNP rs772585700, ClinGen allele CA4959518.

ClinVar aggregate classification (germline): Uncertain significance. Review status: criteria provided, multiple submitters, no conflicts (2 of 4 stars). 2 submissions from 2 submitters: Uncertain significance (2). Last evaluated 2024-04-29.

Conditions:
Hyper-IgE recurrent infection syndrome 3, autosomal recessive. Also called: Autosomal recessive hyper-IgE syndrome due to ZNF341 deficiency; HYPER-IgE SYNDROME 3, AUTOSOMAL RECESSIVE, WITH RECURRENT INFECTIONS. Identifiers: Orphanet 641368, MedGen C4748969, MONDO:0032654, OMIM 618282.
Inborn genetic diseases. Identifiers: MedGen C0950123, MeSH D030342.

Allele frequency attached by ClinVar (database versions not stated): gnomAD exomes below 0.00001; gnomAD 0.00001; ExAC 0.00002; TOPMed 0.00002.
gnomAD v4.1: 4 of 1,614,104 alleles (0.00025%); highest among the groups gnomAD compares: East Asian, 0.0022%; no homozygotes.

Submissions (2):

Ambry Genetics
Classification: Uncertain significance for Inborn genetic diseases. Last evaluated: 2024-04-29. Review status: criteria provided, single submitter. Criteria: Ambry Variant Classification Scheme 2023. Collection method: clinical testing. Allele origin: germline.

Labcorp Genetics (formerly Invitae), Labcorp
Classification: Uncertain significance for Combined immunodeficiency due to DOCK8 deficiency. Last evaluated: 2023-10-13. Review status: criteria provided, single submitter. Criteria: Invitae Variant Classification Sherloc (09022015). Collection method: clinical testing. Allele origin: germline.
Comment: This sequence change replaces arginine, which is basic and polar, with tryptophan, which is neutral and slightly polar, at codon 1904 of the DOCK8 protein (p.Arg1904Trp). This variant is present in population databases (rs772585700, gnomAD 0.0009%). This variant has not been reported in the literature in individuals affected with DOCK8-related conditions. ClinVar contains an entry for this variant (Variation ID: 1434317). Advanced modeling of protein sequence and biophysical properties (such as structural, functional, and spatial information, amino acid conservation, physicochemical variation, residue mobility, and thermodynamic stability) performed at Invitae indicates that this missense variant is expected to disrupt DOCK8 protein function. In summary, the available evidence is currently insufficient to determine the role of this variant in disease. Therefore, it has been classified as a Variant of Uncertain Significance.